The following is an entry in ClinVar:

ClinVar aggregate classification (germline): Uncertain significance (1 of 4 stars; one submission).

Allele frequency attached by ClinVar (database versions not stated): TOPMed 0.00004; gnomAD 0.00005; gnomAD exomes 0.00005; ESP Exome Variant Server 0.00008; ExAC 0.00009; 1000 Genomes Project 0.00020; 1000 Genomes Project 30x 0.00031.
gnomAD v4.1: 83 of 1,614,236 alleles (0.0051%); highest among the groups gnomAD compares: Middle Eastern, 0.016%; 1 homozygote.

Submission:

Labcorp Genetics (formerly Invitae), Labcorp
Classification: Uncertain significance. Last evaluated: 2023-11-16. Review status: criteria provided, single submitter. Criteria: Invitae Variant Classification Sherloc (09022015). Collection method: clinical testing. Allele origin: germline.
Comment: This sequence change replaces arginine, which is basic and polar, with histidine, which is basic and polar, at codon 404 of the ILDR1 protein (p.Arg404His). This variant is present in population databases (rs150479416, gnomAD 0.01%). This variant has not been reported in the literature in individuals affected with ILDR1-related conditions. ClinVar contains an entry for this variant (Variation ID: 2180844). Algorithms developed to predict the effect of missense changes on protein structure and function output the following: SIFT: "Not Available"; PolyPhen-2: "Benign"; Align-GVGD: "Not Available". The histidine amino acid residue is found in multiple mammalian species, which suggests that this missense change does not adversely affect protein function. In summary, the available evidence is currently insufficient to determine the role of this variant in disease. Therefore, it has been classified as a Variant of Uncertain Significance.

NM_001199799.2(ILDR1):c.1211G>A (p.Arg404His)

Gene: ILDR1 (immunoglobulin like domain containing receptor 1; minus strand). Cytogenetic location: 3q13.33.
Variant type: single nucleotide variant.
Coding change: c.1211G>A on transcript NM_001199799.2 (MANE Select); coding-DNA position 1211, G replaced by A.
Protein change: p.Arg404His; replaces arginine 404 with histidine.
Molecular consequence: missense variant.
Genome position (GRCh38, 1-based): chr3:121,993,538, C>T on the plus strand (G>A on the coding strand, the complement: ILDR1 is on the minus strand). VCF-style: chr3-121993538-C-T. GRCh37 (hg19) VCF-style: chr3-121712385-C-T.
Other names: c.944G>A, p.Arg315His (NM_001199800.2); c.1079G>A, p.Arg360His (NM_175924.4); short protein forms R315H, R404H, R360H.
Identifiers: ClinVar variation 2180844 (VCV002180844.2), dbSNP rs150479416, ClinGen allele CA2568739.